The following is an entry in ClinVar:

ClinVar aggregate classification (germline): Uncertain significance (1 of 4 stars; one submission).

Conditions:
Idiopathic generalized epilepsy. Also called: EIG; Generalised epilepsy. Identifiers: MedGen C0270850, MONDO:0005579, OMIM 600669.
Hyperaldosteronism, familial, type IV (HALD4). Also called: FH IV; ALDOSTERONISM, PRIMARY, AND HYPERTENSION. Identifiers: Orphanet 642671, MedGen C4310756, MONDO:0014875, OMIM 617027.

Submission:

Labcorp Genetics (formerly Invitae), Labcorp
Classification: Uncertain significance for Idiopathic generalized epilepsy; Hyperaldosteronism, familial, type IV. Last evaluated: 2024-09-14. Review status: criteria provided, single submitter. Criteria: Invitae Variant Classification Sherloc (09022015). Collection method: clinical testing. Allele origin: germline.
Comment: This sequence change replaces methionine, which is neutral and non-polar, with valine, which is neutral and non-polar, at codon 299 of the CACNA1H protein (p.Met299Val). This variant is not present in population databases (gnomAD no frequency). This variant has not been reported in the literature in individuals affected with CACNA1H-related conditions. Invitae Evidence Modeling of protein sequence and biophysical properties (such as structural, functional, and spatial information, amino acid conservation, physicochemical variation, residue mobility, and thermodynamic stability) indicates that this missense variant is expected to disrupt CACNA1H protein function with a positive predictive value of 80%. In summary, the available evidence is currently insufficient to determine the role of this variant in disease. Therefore, it has been classified as a Variant of Uncertain Significance.

NM_021098.3(CACNA1H):c.895A>G (p.Met299Val)

Gene: CACNA1H (calcium voltage-gated channel subunit alpha1 H; plus strand). Cytogenetic location: 16p13.3.
Variant type: single nucleotide variant.
Coding change: c.895A>G on transcript NM_021098.3 (MANE Select); coding-DNA position 895, A replaced by G.
Protein change: p.Met299Val; replaces methionine 299 with valine.
Molecular consequence: missense variant.
Genome position (GRCh38, 1-based): chr16:1,200,347, A>G. VCF-style: chr16-1200347-A-G. GRCh37 (hg19) VCF-style: chr16-1250347-A-G.
Other names: c.895A>G, p.Met299Val (NM_001005407.2); short protein forms M299V.
Identifiers: ClinVar variation 3761455 (VCV003761455.2).